The following is an entry in ClinVar:

NM_004656.4(BAP1):c.1616T>C (p.Leu539Pro)

Gene: BAP1 (BRCA1 associated deubiquitinase 1; minus strand). Cytogenetic location: 3p21.1.
Variant type: single nucleotide variant.
Coding change: c.1616T>C on transcript NM_004656.4 (MANE Select); coding-DNA position 1616, T replaced by C.
Protein change: p.Leu539Pro; replaces leucine 539 with proline.
Molecular consequence: missense variant.
Genome position (GRCh38, 1-based): chr3:52,403,529, A>G on the plus strand (T>C on the coding strand, the complement: BAP1 is on the minus strand). VCF-style: chr3-52403529-A-G. GRCh37 (hg19) VCF-style: chr3-52437545-A-G.
Other names: short protein forms L539P.
Identifiers: ClinVar variation 472673 (VCV000472673.1), dbSNP rs1553644856, ClinGen allele CA353100288.

ClinVar aggregate classification (germline): Uncertain significance (1 of 4 stars; one submission).

Conditions:
BAP1-related tumor predisposition syndrome (TPDS1). Also called: COMMON Syndrome; TUMOR PREDISPOSITION SYNDROME 1; BAP1 tumor predisposition syndrome; Tumor susceptibility linked to germline BAP1 mutations. Identifiers: Orphanet 289539, MedGen C3280492, MONDO:0013692, OMIM 614327.

Submission:

Labcorp Genetics (formerly Invitae), Labcorp
Classification: Uncertain significance for BAP1-related tumor predisposition syndrome. Last evaluated: 2017-03-03. Review status: criteria provided, single submitter. Criteria: Invitae Variant Classification Sherloc (09022015). Collection method: clinical testing. Allele origin: germline.
Comment: This sequence change replaces leucine with proline at codon 539 of the BAP1 protein (p.Leu539Pro). The leucine residue is highly conserved and there is a moderate physicochemical difference between leucine and proline. This variant is not present in population databases (ExAC no frequency) and has not been reported in the literature in individuals with a BAP1-related disease. Algorithms developed to predict the effect of missense changes on protein structure and function do not agree on the potential impact of this missense change (SIFT: "Deleterious"; PolyPhen-2: "Benign"; Align-GVGD: "Class C0"). In summary, this variant is a novel missense change with uncertain impact on protein function. It has been classified as a Variant of Uncertain Significance.